The following is an entry in ClinVar:

NM_001365276.2(TNXB):c.8987T>C (p.Val2996Ala)

Gene: TNXB (tenascin XB; minus strand). Cytogenetic location: 6p21.33.
Variant type: single nucleotide variant.
Coding change: c.8987T>C on transcript NM_001365276.2 (MANE Select); coding-DNA position 8987, T replaced by C.
Protein change: p.Val2996Ala; replaces valine 2996 with alanine.
Molecular consequence: missense variant.
Genome position (GRCh38, 1-based): chr6:32,052,798, A>G on the plus strand (T>C on the coding strand, the complement: TNXB is on the minus strand). VCF-style: chr6-32052798-A-G. GRCh37 (hg19) VCF-style: chr6-32020575-A-G.
Other names: c.8981T>C, p.Val2994Ala (NM_019105.8); short protein forms V2994A, V2996A.
Identifiers: ClinVar variation 2586107 (VCV002586107.2), dbSNP rs2483446590, ClinGen allele CA363545212.

ClinVar aggregate classification (germline): Uncertain significance (1 of 4 stars; one submission).

Conditions:
Cardiovascular phenotype. Identifiers: MedGen CN230736.

Allele frequency attached by ClinVar (database versions not stated): gnomAD exomes below 0.00001.
gnomAD v4.1: 1 of 1,613,706 alleles (0.000062%); highest among the groups gnomAD compares: Non-Finnish European, 0.000085%; no homozygotes.

Submission:

Ambry Genetics
Classification: Uncertain significance for Cardiovascular phenotype. Last evaluated: 2023-06-21. Review status: criteria provided, single submitter. Criteria: Ambry Variant Classification Scheme 2023. Collection method: clinical testing. Allele origin: germline.
Comment: The p.V2994A variant (also known as c.8981T>C), located in coding exon 25 of the TNXB gene, results from a T to C substitution at nucleotide position 8981. The valine at codon 2994 is replaced by alanine, an amino acid with similar properties. This amino acid position is conserved. In addition, this alteration is predicted to be tolerated by in silico analysis. Since supporting evidence is limited at this time, the clinical significance of this alteration remains unclear.